The following is an entry in ClinVar:

ClinVar aggregate classification (germline): Uncertain significance. Review status: criteria provided, multiple submitters, no conflicts (2 of 4 stars). 2 submissions from 2 submitters: Uncertain significance (2). Last evaluated 2024-03-02.

Conditions:
Inborn genetic diseases. Identifiers: MedGen C0950123, MeSH D030342.

Allele frequency attached by ClinVar (database versions not stated): gnomAD exomes below 0.00001.
gnomAD v4.1: 3 of 1,608,356 alleles (0.00019%); highest among the groups gnomAD compares: Admixed American, 0.0017%; no homozygotes.

Submissions (2):

Labcorp Genetics (formerly Invitae), Labcorp
Classification: Uncertain significance. Last evaluated: 2024-03-02. Review status: criteria provided, single submitter. Criteria: Invitae Variant Classification Sherloc (09022015). Collection method: clinical testing. Allele origin: germline.
Comment: This sequence change replaces isoleucine, which is neutral and non-polar, with threonine, which is neutral and polar, at codon 781 of the FBXO11 protein (p.Ile781Thr). This variant is not present in population databases (gnomAD no frequency). This variant has not been reported in the literature in individuals affected with FBXO11-related conditions. ClinVar contains an entry for this variant (Variation ID: 1951936). An algorithm developed to predict the effect of missense changes on protein structure and function (PolyPhen-2) suggests that this variant is likely to be disruptive. In summary, the available evidence is currently insufficient to determine the role of this variant in disease. Therefore, it has been classified as a Variant of Uncertain Significance.

Ambry Genetics
Classification: Uncertain significance for Inborn genetic diseases. Last evaluated: 2023-05-08. Review status: criteria provided, single submitter. Criteria: Ambry Variant Classification Scheme 2023. Collection method: clinical testing. Allele origin: germline.
Comment: The c.2342T>C (p.I781T) alteration is located in exon 20 (coding exon 20) of the FBXO11 gene. This alteration results from a T to C substitution at nucleotide position 2342, causing the isoleucine (I) at amino acid position 781 to be replaced by a threonine (T). This variant was not reported in population-based cohorts in the Genome Aggregation Database (gnomAD). This amino acid position is highly conserved in available vertebrate species. This missense alteration is located in a region that has a low rate of benign missense variation (Lek, 2016; Firth, 2009). This alteration is predicted to be deleterious by in silico analysis. Based on insufficient or conflicting evidence, the clinical significance of this alteration remains unclear.

NM_001190274.2(FBXO11):c.2342T>C (p.Ile781Thr)

Genes: FBXO11 (F-box protein 11; minus strand), MSH6 (mutS homolog 6; plus strand). Cytogenetic location: 2p16.3.
Variant type: single nucleotide variant.
Coding change: c.2342T>C on transcript NM_001190274.2 (MANE Select); coding-DNA position 2342, T replaced by C.
Protein change: p.Ile781Thr; replaces isoleucine 781 with threonine.
Molecular consequence: missense variant.
Genome position (GRCh38, 1-based): chr2:47,809,704, A>G on the plus strand (T>C on the coding strand, the complement: FBXO11 is on the minus strand). VCF-style: chr2-47809704-A-G. GRCh37 (hg19) VCF-style: chr2-48036843-A-G.
Other names: c.2342T>C (NM_001190274.1); c.2090T>C, p.Ile697Thr (NM_001374325.1, NM_025133.4); short protein forms I697T, I781T.
Identifiers: ClinVar variation 1951936 (VCV001951936.7), dbSNP rs2530963111, ClinGen allele CA346762856.